The following is an entry in ClinVar:

ClinVar aggregate classification (germline): Likely benign (1 of 4 stars; one submission).

Submission:

CeGaT Center for Human Genetics Tuebingen
Classification: Likely benign. Last evaluated: 2025-06-01. Review status: criteria provided, single submitter. Criteria: CeGaT Center For Human Genetics Tuebingen Variant Classification Criteria Version 2. Collection method: clinical testing. Allele origin: germline. Affected: yes. Observed: 1 variant allele.
Comment: TMEM63B: BP4, BP7

NM_018426.3(TMEM63B):c.2433C>T (p.Asp811=)

Gene: TMEM63B (transmembrane protein 63B; plus strand). Cytogenetic location: 6p21.1.
Variant type: single nucleotide variant.
Coding change: c.2433C>T on transcript NM_018426.3 (MANE Select); coding-DNA position 2433, C replaced by T.
Protein change: p.Asp811=; no amino-acid change (aspartic acid 811 retained).
Molecular consequence: synonymous variant.
Genome position (GRCh38, 1-based): chr6:44,154,817, C>T. VCF-style: chr6-44154817-C-T. GRCh37 (hg19) VCF-style: chr6-44122554-C-T.
Other names: c.2433C>T, p.Asp811= (NM_001318792.1).
Identifiers: ClinVar variation 3905082 (VCV003905082.10).